The following is an entry in ClinVar:

NM_005548.3(KARS1):c.855T>C (p.Thr285=)

Gene: KARS1 (lysyl-tRNA synthetase 1; minus strand). Cytogenetic location: 16q23.1.
Variant type: single nucleotide variant.
Coding change: c.855T>C on transcript NM_005548.3 (MANE Select); coding-DNA position 855, T replaced by C.
Protein change: p.Thr285=; no amino-acid change (threonine 285 retained).
Molecular consequence: synonymous variant.
Genome position (GRCh38, 1-based): chr16:75,634,233, A>G on the plus strand (T>C on the coding strand, the complement: KARS1 is on the minus strand). VCF-style: chr16-75634233-A-G. GRCh37 (hg19) VCF-style: chr16-75668131-A-G.
Other names: c.939T>C, p.Thr313= (NM_001130089.2); c.387T>C, p.Thr129= (NM_001378148.1).
Identifiers: ClinVar variation 3712163 (VCV003712163.4).

ClinVar aggregate classification (germline): Likely benign. Review status: criteria provided, multiple submitters, no conflicts (2 of 4 stars). 3 submissions from 3 submitters: Likely benign (3). Last evaluated 2025-11-11.

gnomAD v4.1: 102 of 1,613,936 alleles (0.0063%); highest among the groups gnomAD compares: Admixed American, 0.012%; no homozygotes.

Submissions (3):

Women's Health and Genetics/Laboratory Corporation of America, LabCorp
Classification: Likely benign. Last evaluated: 2025-11-11. Review status: criteria provided, single submitter. Criteria: LabCorp Variant Classification Summary - May 2015. Collection method: clinical testing. Allele origin: germline.
Comment: Variant summary: KARS1 c.939T>C alters a conserved nucleotide resulting in a synonymous change. Consensus agreement among computation tools predict no significant impact on normal splicing. However, these predictions have yet to be confirmed by functional studies. The variant allele was found at a frequency of 5.3e-05 in 282878 control chromosomes. This frequency is not significantly higher than estimated for disease-causing variants in KARS1, allowing no conclusion about variant significance. To our knowledge, no occurrence of c.939T>C in individuals affected with KARS1-related conditions and no experimental evidence demonstrating its impact on protein function have been reported. ClinVar contains an entry for this variant (Variation ID: 3712163). Based on the evidence outlined above, the variant was classified as likely benign.

Blueprint Genetics
Classification: Likely benign. Last evaluated: 2024-10-03. Review status: criteria provided, single submitter. Criteria: ACMG Guidelines, 2015. Collection method: clinical testing. Allele origin: germline.

Labcorp Genetics (formerly Invitae), Labcorp
Classification: Likely benign. Last evaluated: 2024-08-11. Review status: criteria provided, single submitter. Criteria: Invitae Variant Classification Sherloc (09022015). Collection method: clinical testing. Allele origin: germline.